The following is an entry in ClinVar:

ClinVar aggregate classification (germline): Uncertain significance. Review status: criteria provided, multiple submitters, no conflicts (2 of 4 stars). 2 submissions from 2 submitters: Uncertain significance (2). Last evaluated 2024-03-19.

Conditions:
Hereditary cancer-predisposing syndrome. Also called: Hereditary Cancer Syndrome; Tumor predisposition; Hereditary neoplastic syndrome; Neoplastic Syndromes, Hereditary. Identifiers: Orphanet 140162, MedGen C0027672, MeSH D009386, MONDO:0015356.

Submissions (2):

Ambry Genetics
Classification: Uncertain significance for Hereditary cancer-predisposing syndrome. Last evaluated: 2024-03-19. Review status: criteria provided, single submitter. Criteria: Ambry Variant Classification Scheme 2023. Collection method: clinical testing. Allele origin: germline.
Comment: The p.K946R variant (also known as c.2837A>G), located in coding exon 24 of the POLE gene, results from an A to G substitution at nucleotide position 2837. The lysine at codon 946 is replaced by arginine, an amino acid with highly similar properties. This amino acid position is conserved. In addition, this alteration is predicted to be tolerated by in silico analysis. Based on the available evidence, the clinical significance of this alteration remains unclear.

Labcorp Genetics (formerly Invitae), Labcorp
Classification: Uncertain significance. Last evaluated: 2020-07-16. Review status: criteria provided, single submitter. Criteria: Invitae Variant Classification Sherloc (09022015). Collection method: clinical testing. Allele origin: germline.
Comment: Algorithms developed to predict the effect of missense changes on protein structure and function (SIFT, PolyPhen-2, Align-GVGD) all suggest that this variant is likely to be disruptive, but these predictions have not been confirmed by published functional studies and their clinical significance is uncertain. Algorithms developed to predict the effect of sequence changes on RNA splicing suggest that this variant may create or strengthen a splice site, but this prediction has not been confirmed by published transcriptional studies. In summary, the available evidence is currently insufficient to determine the role of this variant in disease. Therefore, it has been classified as a Variant of Uncertain Significance. This variant has not been reported in the literature in individuals with POLE-related conditions. This sequence change replaces lysine with arginine at codon 946 of the POLE protein (p.Lys946Arg). The lysine residue is highly conserved and there is a small physicochemical difference between lysine and arginine. This variant is not present in population databases (ExAC no frequency).

NM_006231.4(POLE):c.2837A>G (p.Lys946Arg)

Gene: POLE (DNA polymerase epsilon, catalytic subunit; minus strand). Cytogenetic location: 12q24.33.
Variant type: single nucleotide variant.
Coding change: c.2837A>G on transcript NM_006231.4 (MANE Select); coding-DNA position 2837, A replaced by G.
Protein change: p.Lys946Arg; replaces lysine 946 with arginine.
Molecular consequence: missense variant.
Genome position (GRCh38, 1-based): chr12:132,661,554, T>C on the plus strand (A>G on the coding strand, the complement: POLE is on the minus strand). VCF-style: chr12-132661554-T-C. GRCh37 (hg19) VCF-style: chr12-133238140-T-C.
Other names: c.2837A>G (NM_006231.2); short protein forms K946R.
Identifiers: ClinVar variation 1056983 (VCV001056983.10), dbSNP rs2135948202, ClinGen allele CA387393627.